The following is an entry in ClinVar:

ClinVar aggregate classification (germline): Uncertain significance (1 of 4 stars; one submission).

Allele frequency attached by ClinVar (database versions not stated): ExAC 0.00001; gnomAD 0.00001; gnomAD exomes 0.00001.
gnomAD v4.1: 11 of 1,614,038 alleles (0.00068%); highest among the groups gnomAD compares: East Asian, 0.0022%; no homozygotes.

Submission:

GeneDx
Classification: Uncertain significance. Last evaluated: 2022-08-18. Review status: criteria provided, single submitter. Criteria: GeneDx Variant Classification Process June 2021. Collection method: clinical testing. Allele origin: germline. Affected: yes.
Comment: In silico analysis supports that this missense variant has a deleterious effect on protein structure/function; Has not been previously published as pathogenic or benign to our knowledge

NM_004408.4(DNM1):c.1027C>T (p.Arg343Cys)

Gene: DNM1 (dynamin 1; plus strand). Cytogenetic location: 9q34.11.
Variant type: single nucleotide variant.
Coding change: c.1027C>T on transcript NM_004408.4 (MANE Select); coding-DNA position 1027, C replaced by T.
Protein change: p.Arg343Cys; replaces arginine 343 with cysteine.
Molecular consequence: missense variant.
Genome position (GRCh38, 1-based): chr9:128,222,495, C>T. VCF-style: chr9-128222495-C-T. GRCh37 (hg19) VCF-style: chr9-130984774-C-T.
Other names: c.1027C>T, p.Arg343Cys (NM_001005336.3, NM_001288737.2, NM_001288738.2 and 2 more transcripts); short protein forms R343C.
Identifiers: ClinVar variation 2430715 (VCV002430715.1), dbSNP rs778955338, ClinGen allele CA5257968.